The following is an entry in ClinVar:

ClinVar aggregate classification (germline): Uncertain significance (1 of 4 stars; one submission).

Conditions:
NME8-related disorder. Also called: NME8-related condition.

Submission:

PreventionGenetics, part of Exact Sciences
Classification: Uncertain significance for NME8-related condition. Last evaluated: 2025-05-22. Review status: criteria provided, single submitter. Criteria: ACMG Guidelines, 2015. Collection method: clinical testing. Allele origin: germline.
Comment: The NME8 c.721G>A variant is predicted to result in the amino acid substitution p.Glu241Lys. To our knowledge, this variant has not been reported in the literature or in a large population database (gnomAD), indicating this variant is rare. At this time, the clinical significance of this variant is uncertain due to the absence of conclusive functional and genetic evidence.

NM_016616.5(NME8):c.721G>A (p.Glu241Lys)

Gene: NME8 (NME/NM23 family member 8; plus strand). Cytogenetic location: 7p14.1.
Variant type: single nucleotide variant.
Coding change: c.721G>A on transcript NM_016616.5 (MANE Select); coding-DNA position 721, G replaced by A.
Protein change: p.Glu241Lys; replaces glutamic acid 241 with lysine.
Molecular consequence: missense variant.
Genome position (GRCh38, 1-based): chr7:37,867,801, G>A. VCF-style: chr7-37867801-G-A. GRCh37 (hg19) VCF-style: chr7-37907403-G-A.
Other names: short protein forms E241K.
Identifiers: ClinVar variation 4999078 (VCV004999078.1).